The following is an entry in ClinVar:

ClinVar aggregate classification (germline): Likely benign. Review status: criteria provided, multiple submitters, no conflicts (2 of 4 stars). 4 submissions from 4 submitters: Likely benign (3). 1 of the submissions does not count toward it. Last evaluated 2026-09-01.

Conditions:
Neurodevelopmental disorder with impaired speech and hyperkinetic movements. Identifiers: MedGen C5193088, MONDO:0032741, OMIM 618425.
ZNF142-related disorder. Also called: ZNF142-related condition.

Allele frequency attached by ClinVar (database versions not stated): 1000 Genomes Project 30x 0.00141; 1000 Genomes Project 0.00160; gnomAD 0.00194 and 0.00200; gnomAD exomes 0.00194 and 0.00321; ExAC 0.00195; TOPMed 0.00197; ESP Exome Variant Server 0.00208.
gnomAD v4.1: 4,917 of 1,614,130 alleles (0.3%); highest among the groups gnomAD compares: Non-Finnish European, 0.38%; 15 homozygotes.

Submissions (4):

CeGaT Center for Human Genetics Tuebingen
Classification: Likely benign. Last evaluated: 2026-09-01. Review status: criteria provided, single submitter. Criteria: CeGaT Center For Human Genetics Tuebingen Variant Classification Criteria Version 2. Collection method: clinical testing. Allele origin: germline. Affected: yes. Observed: 11 variant alleles.
Comment: ZNF142: BS2

Fulgent Genetics
Classification: Likely benign for Neurodevelopmental disorder with impaired speech and hyperkinetic movements. Last evaluated: 2021-07-07. Review status: criteria provided, single submitter. Criteria: ACMG Guidelines, 2015. Collection method: clinical testing. Allele origin: unknown.

Breakthrough Genomics
Classification: Likely benign. Review status: criteria provided, single submitter. Criteria: ACMG Guidelines, 2015. Collection method: not provided. Allele origin: germline. Inheritance: Autosomal recessive inheritance. Affected: yes.

PreventionGenetics, part of Exact Sciences
Classification: Likely benign for ZNF142-related condition. Last evaluated: 2020-08-19. Review status: no assertion criteria provided. Collection method: clinical testing. Allele origin: germline. Not counted in ClinVar's aggregate classification.
Comment: This variant is classified as likely benign based on ACMG/AMP sequence variant interpretation guidelines (Richards et al. 2015 PMID: 25741868, with internal and published modifications).

NM_001379659.1(ZNF142):c.5116C>T (p.Arg1706Trp)

Gene: ZNF142 (zinc finger protein 142; minus strand). Cytogenetic location: 2q35.
Variant type: single nucleotide variant.
Coding change: c.5116C>T on transcript NM_001379659.1 (MANE Select); coding-DNA position 5116, C replaced by T.
Protein change: p.Arg1706Trp; replaces arginine 1706 with tryptophan.
Molecular consequence: missense variant.
Genome position (GRCh38, 1-based): chr2:218,640,742, G>A on the plus strand (C>T on the coding strand, the complement: ZNF142 is on the minus strand). VCF-style: chr2-218640742-G-A. GRCh37 (hg19) VCF-style: chr2-219505465-G-A.
Other names: c.4516C>T, p.Arg1506Trp (NM_001105537.5, NM_001366291.3, NM_001379662.1); c.4027C>T, p.Arg1343Trp (NM_001366287.3, NM_001366288.3, NM_001366289.3); c.5116C>T, p.Arg1706Trp (NM_001366290.3, NM_001379660.1, NM_001379661.1); short protein forms R1343W, R1506W, R1706W.
Identifiers: ClinVar variation 1675839 (VCV001675839.36), dbSNP rs72962069, ClinGen allele CA2108601.